The following is an entry in ClinVar:

NM_000535.7(PMS2):c.2404C>G (p.Arg802Gly)

Gene: PMS2 (PMS1 homolog 2, mismatch repair system component; minus strand). Cytogenetic location: 7p22.1.
Variant type: single nucleotide variant.
Coding change: c.2404C>G on transcript NM_000535.7 (MANE Select); coding-DNA position 2404, C replaced by G.
Protein change: p.Arg802Gly; replaces arginine 802 with glycine.
Molecular consequence: missense variant. On other transcripts: non-coding transcript variant (1).
Genome position (GRCh38, 1-based): chr7:5,977,629, G>C on the plus strand (C>G on the coding strand, the complement: PMS2 is on the minus strand). VCF-style: chr7-5977629-G-C. GRCh37 (hg19) VCF-style: chr7-6017260-G-C.
Other names: c.1999C>G, p.Arg667Gly (NM_001018040.1, NM_001322003.2, NM_001322004.2 and 12 more transcripts); c.2248C>G, p.Arg750Gly (NM_001322006.2); c.2086C>G, p.Arg696Gly (NM_001322007.2, NM_001322008.2, NM_001406883.1); c.2032C>G, p.Arg678Gly (NM_001322009.2, NM_001406887.1, NM_001406888.1); c.1843C>G, p.Arg615Gly (NM_001322010.2, NM_001406906.1, NM_001406907.1); c.1471C>G, p.Arg491Gly (NM_001322011.2, NM_001322012.2); c.1831C>G, p.Arg611Gly (NM_001322013.2, NM_001406908.1, NM_001406909.1); c.2437C>G, p.Arg813Gly (NM_001322014.2); and 20 more; short protein forms R401G, R563G, R631G, R754G, R761G, R864G, R545G, R611G.
Identifiers: ClinVar variation 2144255 (VCV002144255.6), dbSNP rs63751466, ClinGen allele CA366735674.
Genomic context (GRCh38, chr7:5,977,629, plus strand): 5'-CCAGGCTTTCTTTACTTACCGACTTCCGGCAGGCTCTGGAGGCAAACATCTGCTTGACTC[G>C]GGAAGGCCGGCACATGACCCCAGGGCTGTCGCTCAGCATGAAGATCAGTTCATCGACGTC-3'
Protein context (NP_000526.2, residues 792-812): DSPGVMCRPS[Arg802Gly]VKQMFASRAC

ClinVar aggregate classification (germline): Uncertain significance. Review status: criteria provided, multiple submitters, no conflicts (2 of 4 stars). 3 submissions from 3 submitters: Uncertain significance (3). Last evaluated 2025-10-29.

Conditions:
Hereditary nonpolyposis colorectal neoplasms. Identifiers: MedGen C0009405, MeSH D003123.
Hereditary cancer-predisposing syndrome. Also called: Neoplastic Syndromes, Hereditary; Tumor predisposition; Hereditary neoplastic syndrome; Hereditary Cancer Syndrome. Identifiers: Orphanet 140162, MedGen C0027672, MeSH D009386, MONDO:0015356.

Submissions (3):

Color Diagnostics, LLC DBA Color Health
Classification: Uncertain significance for Hereditary cancer-predisposing syndrome. Last evaluated: 2025-10-29. Review status: criteria provided, single submitter. Criteria: ACMG Guidelines, 2015. Collection method: clinical testing. Allele origin: germline.
Comment: This missense variant replaces arginine with glycine at codon 802 of the PMS2 protein. Computational prediction suggests that this variant may have deleterious impact on protein structure and function. To our knowledge, functional studies have not been reported for this variant. This variant has not been reported in individuals affected with PMS2-related disorders in the literature. This variant has not been identified in the general population by the Genome Aggregation Database (gnomAD). The available evidence is insufficient to determine the role of this variant in disease conclusively. Therefore, this variant is classified as a Variant of Uncertain Significance.

Ambry Genetics
Classification: Uncertain significance for Hereditary cancer-predisposing syndrome. Last evaluated: 2023-08-08. Review status: criteria provided, single submitter. Criteria: Ambry Variant Classification Scheme 2023. Collection method: clinical testing. Allele origin: germline.
Comment: The p.R802G variant (also known as c.2404C>G), located in coding exon 14 of the PMS2 gene, results from a C to G substitution at nucleotide position 2404. The arginine at codon 802 is replaced by glycine, an amino acid with dissimilar properties. This amino acid position is highly conserved in available vertebrate species. In addition, this alteration is predicted to be deleterious by in silico analysis. Since supporting evidence is limited at this time, the clinical significance of this alteration remains unclear.

Labcorp Genetics (formerly Invitae), Labcorp
Classification: Uncertain significance for Hereditary nonpolyposis colorectal neoplasms. Last evaluated: 2022-07-25. Review status: criteria provided, single submitter. Criteria: Invitae Variant Classification Sherloc (09022015). Collection method: clinical testing. Allele origin: germline.
Comment: In summary, the available evidence is currently insufficient to determine the role of this variant in disease. Therefore, it has been classified as a Variant of Uncertain Significance. Advanced modeling of protein sequence and biophysical properties (such as structural, functional, and spatial information, amino acid conservation, physicochemical variation, residue mobility, and thermodynamic stability) performed at Invitae indicates that this missense variant is not expected to disrupt PMS2 protein function. This variant has not been reported in the literature in individuals affected with PMS2-related conditions. The frequency data for this variant in the population databases (gnomAD) is considered unreliable due to the presence of homologous sequence, such as pseudogenes or paralogs, in the genome. This sequence change replaces arginine, which is basic and polar, with glycine, which is neutral and non-polar, at codon 802 of the PMS2 protein (p.Arg802Gly).